The following is an entry in ClinVar:

ClinVar aggregate classification (germline): Pathogenic (1 of 4 stars; one submission).

Conditions:
Combined oxidative phosphorylation defect type 7. Identifiers: Orphanet 254930, MedGen C3150801, MONDO:0013306, OMIM 613559.
Spastic paraplegia. Identifiers: MedGen C0037772, HP:0001258.

Submission:

Labcorp Genetics (formerly Invitae), Labcorp
Classification: Pathogenic for Combined oxidative phosphorylation defect type 7; Spastic paraplegia. Last evaluated: 2022-09-27. Review status: criteria provided, single submitter. Criteria: Invitae Variant Classification Sherloc (09022015). Collection method: clinical testing. Allele origin: germline.
Comment: For these reasons, this variant has been classified as Pathogenic. This variant disrupts a region of the C12orf65 protein in which other variant(s) (p.Arg132*) have been determined to be pathogenic (PMID: 23188110, 28091420, 30369941, 31753091). This suggests that this is a clinically significant region of the protein, and that variants that disrupt it are likely to be disease-causing. This variant has not been reported in the literature in individuals affected with C12orf65-related conditions. This variant is a gross deletion of the genomic region encompassing exon(s) 3 of the C12orf65 gene, which includes the termination codon. This deletion extends beyond the assayed region for this gene and therefore may encompass additional genes. While this deletion is not anticipated to lead to nonsense mediated decay, it is expected to alter mRNA translation or result in a truncated protein product.

Literature cited by the submitters: PubMed 23188110; PubMed 28091420; PubMed 30369941; PubMed 31753091.

NC_000012.11:g.(?_123741340)_(123741578_?)del

Gene: MTRFR (mitochondrial translation release factor in rescue; plus strand). Cytogenetic location: 12q24.31.
Variant type: Deletion.
Identifiers: ClinVar variation 2427351 (VCV002427351.3).